The following is an entry in ClinVar:

ClinVar aggregate classification (germline): Uncertain significance (1 of 4 stars; one submission).

Submission:

Labcorp Genetics (formerly Invitae), Labcorp
Classification: Uncertain significance. Last evaluated: 2022-07-09. Review status: criteria provided, single submitter. Criteria: Invitae Variant Classification Sherloc (09022015). Collection method: clinical testing. Allele origin: germline.
Comment: In summary, the available evidence is currently insufficient to determine the role of this variant in disease. Therefore, it has been classified as a Variant of Uncertain Significance. Variants that disrupt the consensus splice site are a relatively common cause of aberrant splicing (PMID: 17576681, 9536098). Algorithms developed to predict the effect of sequence changes on RNA splicing suggest that this variant may disrupt the consensus splice site. ClinVar contains an entry for this variant (Variation ID: 948493). This variant has not been reported in the literature in individuals affected with POLE-related conditions. This variant is not present in population databases (gnomAD no frequency). This sequence change falls in intron 42 of the POLE gene. It does not directly change the encoded amino acid sequence of the POLE protein. It affects a nucleotide within the consensus splice site.

Literature cited by the submitters: PubMed 17576681; PubMed 9536098.

NM_006231.4(POLE):c.5811+4A>G

Gene: POLE (DNA polymerase epsilon, catalytic subunit; minus strand). Cytogenetic location: 12q24.33.
Variant type: single nucleotide variant.
Coding change: c.5811+4A>G on transcript NM_006231.4 (MANE Select); 4 bases into the intron after coding-DNA position 5811, A replaced by G.
Molecular consequence: intron variant.
Genome position (GRCh38, 1-based): chr12:132,635,888, T>C on the plus strand (A>G on the coding strand, the complement: POLE is on the minus strand). VCF-style: chr12-132635888-T-C. GRCh37 (hg19) VCF-style: chr12-133212474-T-C.
Identifiers: ClinVar variation 948493 (VCV000948493.7), dbSNP rs2042021742, ClinGen allele CA1139662976.